The following is an entry in ClinVar:

ClinVar aggregate classification (germline): Uncertain significance (1 of 4 stars; one submission).

Submission:

GeneDx
Classification: Uncertain significance. Last evaluated: 2023-03-28. Review status: criteria provided, single submitter. Criteria: GeneDx Variant Classification Process June 2021. Collection method: clinical testing. Allele origin: germline. Affected: yes.
Comment: Not observed at significant frequency in large population cohorts (gnomAD); In silico analysis supports that this missense variant has a deleterious effect on protein structure/function; Has not been previously published as pathogenic or benign to our knowledge

NM_000217.3(KCNA1):c.515T>C (p.Val172Ala)

Gene: KCNA1 (potassium voltage-gated channel subfamily A member 1; plus strand). Cytogenetic location: 12p13.32.
Variant type: single nucleotide variant.
Coding change: c.515T>C on transcript NM_000217.3 (MANE Select); coding-DNA position 515, T replaced by C.
Protein change: p.Val172Ala; replaces valine 172 with alanine.
Molecular consequence: missense variant.
Genome position (GRCh38, 1-based): chr12:4,911,893, T>C. VCF-style: chr12-4911893-T-C. GRCh37 (hg19) VCF-style: chr12-5021059-T-C.
Other names: short protein forms V172A.
Identifiers: ClinVar variation 2582099 (VCV002582099.1), dbSNP rs2497352512, ClinGen allele CA383454734.